The following is an entry in ClinVar:

NM_001358263.1(HK1):c.-196+1241G>A

Gene: HK1 (hexokinase 1; plus strand). Cytogenetic location: 10q22.1.
Variant type: single nucleotide variant.
Coding change: c.-196+1241G>A on transcript NM_001358263.1 (MANE Plus Clinical); 1241 bases into the intron after 196 bases upstream of the start codon, G replaced by A.
Molecular consequence: intron variant.
Genome position (GRCh38, 1-based): chr10:69,280,026, G>A. VCF-style: chr10-69280026-G-A. GRCh37 (hg19) VCF-style: chr10-71039782-G-A.
Other names: c.-390-2503G>A (NM_033500.2); c.-195-2503G>A (NM_001322365.2, NM_033497.3); c.-249-2503G>A (NM_033498.3); c.-73-8645G>A (NM_001322364.2).
Identifiers: ClinVar variation 1107623 (VCV001107623.37), dbSNP rs545102911, ClinGen allele CA209225328.

ClinVar aggregate classification (germline): Conflicting classifications of pathogenicity. Review status: criteria provided, conflicting classifications (1 of 4 stars). 2 submissions from 2 submitters: Pathogenic (1); Likely benign (1). Last evaluated 2026-01-19.

Allele frequency attached by ClinVar (database versions not stated): gnomAD 0.00021 and 0.00022; 1000 Genomes Project 30x 0.00031; TOPMed 0.00027; 1000 Genomes Project 0.00040.
gnomAD v4.1: 33 of 152,336 alleles (0.022%); highest among the groups gnomAD compares: Middle Eastern, 0.34%; no homozygotes.

Submissions (2):

Labcorp Genetics (formerly Invitae), Labcorp
Classification: Likely benign. Last evaluated: 2026-01-19. Review status: criteria provided, single submitter. Criteria: Invitae Variant Classification Sherloc (09022015). Collection method: clinical testing. Allele origin: germline.

CeGaT Center for Human Genetics Tuebingen
Classification: Pathogenic. Last evaluated: 2024-11-01. Review status: criteria provided, single submitter. Criteria: CeGaT Center For Human Genetics Tuebingen Variant Classification Criteria Version 2. Collection method: clinical testing. Allele origin: germline. Affected: yes. Observed: 3 variant alleles.
Comment: HK1: PM3:Very Strong, PM2